The following is an entry in ClinVar:

NM_024675.4(PALB2):c.2749-3T>A

Gene: PALB2 (partner and localizer of BRCA2; minus strand). Cytogenetic location: 16p12.2.
Variant type: single nucleotide variant.
Coding change: c.2749-3T>A on transcript NM_024675.4 (MANE Select); 3 bases into the intron before coding-DNA position 2749, T replaced by A.
Molecular consequence: intron variant.
Genome position (GRCh38, 1-based): chr16:23,624,097, A>T on the plus strand (T>A on the coding strand, the complement: PALB2 is on the minus strand). VCF-style: chr16-23624097-A-T. GRCh37 (hg19) VCF-style: chr16-23635418-A-T.
Identifiers: ClinVar variation 1795514 (VCV001795514.2), dbSNP rs2142344782, ClinGen allele CA494181313.

ClinVar aggregate classification (germline): Uncertain significance (1 of 4 stars; one submission).

Conditions:
Hereditary cancer-predisposing syndrome. Also called: Tumor predisposition; Hereditary Cancer Syndrome; Neoplastic Syndromes, Hereditary; Hereditary neoplastic syndrome. Identifiers: Orphanet 140162, MedGen C0027672, MeSH D009386, MONDO:0015356.

Submission:

Ambry Genetics
Classification: Uncertain significance for Hereditary cancer-predisposing syndrome. Last evaluated: 2021-03-18. Review status: criteria provided, single submitter. Criteria: Ambry Variant Classification Scheme 2023. Collection method: clinical testing. Allele origin: germline.
Comment: The c.2749-3T>A intronic variant results from a T to A substitution 3 nucleotides upstream from coding exon 8 in the PALB2 gene. This nucleotide position is well conserved in available vertebrate species. In silico splice site analysis for this alteration is inconclusive; however, direct evidence is insufficient at this time (Ambry internal data). Since supporting evidence is limited at this time, the clinical significance of this alteration remains unclear.